The following is an entry in ClinVar:

ClinVar aggregate classification (germline): Conflicting classifications of pathogenicity. Review status: criteria provided, conflicting classifications (1 of 4 stars). 2 submissions from 2 submitters: Uncertain significance (1); Likely benign (1). Last evaluated 2025-01-26.

Conditions:
MEGF8-related Carpenter syndrome. Also called: Carpenter syndrome 2. Identifiers: Orphanet 65759, MedGen C3554247, MONDO:0013998, OMIM 614976.
Inborn genetic diseases. Identifiers: MedGen C0950123, MeSH D030342.

Allele frequency attached by ClinVar (database versions not stated): gnomAD 0.00001 and 0.00002; TOPMed 0.00003; 1000 Genomes Project 30x 0.00016.

Submissions (2):

Ambry Genetics
Classification: Likely benign for Inborn genetic diseases. Last evaluated: 2025-01-26. Review status: criteria provided, single submitter. Criteria: Ambry Variant Classification Scheme 2023. Collection method: clinical testing. Allele origin: germline.

Labcorp Genetics (formerly Invitae), Labcorp
Classification: Uncertain significance for MEGF8-related Carpenter syndrome. Last evaluated: 2021-10-02. Review status: criteria provided, single submitter. Criteria: Invitae Variant Classification Sherloc (09022015). Collection method: clinical testing. Allele origin: germline.
Comment: In summary, the available evidence is currently insufficient to determine the role of this variant in disease. Therefore, it has been classified as a Variant of Uncertain Significance. This sequence change replaces alanine with valine at codon 2762 of the MEGF8 protein (p.Ala2762Val). The alanine residue is weakly conserved and there is a small physicochemical difference between alanine and valine. The frequency data for this variant in the population databases is considered unreliable, as metrics indicate insufficient coverage at this position in the ExAC database. This variant has not been reported in the literature in individuals affected with MEGF8-related conditions. Algorithms developed to predict the effect of missense changes on protein structure and function output the following: SIFT: "Tolerated"; PolyPhen-2: "Benign"; Align-GVGD: "Class C0". The valine amino acid residue is found in multiple mammalian species, which suggests that this missense change does not adversely affect protein function.

NM_001271938.2(MEGF8):c.8486C>T (p.Ala2829Val)

Gene: MEGF8 (multiple EGF like domains 8; plus strand). Cytogenetic location: 19q13.2.
Variant type: single nucleotide variant.
Coding change: c.8486C>T on transcript NM_001271938.2 (MANE Select); coding-DNA position 8486, C replaced by T.
Protein change: p.Ala2829Val; replaces alanine 2829 with valine.
Molecular consequence: missense variant.
Genome position (GRCh38, 1-based): chr19:42,376,723, C>T. VCF-style: chr19-42376723-C-T. GRCh37 (hg19) VCF-style: chr19-42880875-C-T.
Other names: c.8285C>T (NM_001410.2); c.8285C>T, p.Ala2762Val (NM_001410.3); short protein forms A2762V, A2829V.
Identifiers: ClinVar variation 1353530 (VCV001353530.7), dbSNP rs975858414, ClinGen allele CA308659552.
Genomic context (GRCh38, chr19:42,376,723, plus strand): 5'-GGCTGCACGAGTACTGTGGGGGTGGTGGGGGTGCTGGGGGCAGTGGGCATGGGACTGGTG[C>T]GGGCCGGAAGGGACTGTTGAGCCAGGACAACCTCACCAGCATGTCCCTCTGACATGCCCA-3'
Protein context (NP_001258867.1, residues 2819-2839): GAGGSGHGTG[Ala2829Val]GRKGLLSQDN